The following is an entry in ClinVar:

ClinVar aggregate classification (germline): Uncertain significance (1 of 4 stars; one submission).

Conditions:
Inborn genetic diseases. Identifiers: MedGen C0950123, MeSH D030342.

gnomAD v4.1: 1 of 1,612,414 alleles (0.000062%); highest among the groups gnomAD compares: South Asian, 0.0011%; no homozygotes.

Submission:

Ambry Genetics
Classification: Uncertain significance for Inborn genetic diseases. Last evaluated: 2022-12-16. Review status: criteria provided, single submitter. Criteria: Ambry Variant Classification Scheme 2023. Collection method: clinical testing. Allele origin: germline.
Comment: The p.L2417F variant (also known as c.7249C>T), located in coding exon 49 of the LRRK2 gene, results from a C to T substitution at nucleotide position 7249. The leucine at codon 2417 is replaced by phenylalanine, an amino acid with highly similar properties. This amino acid position is conserved. In addition, this alteration is predicted to be tolerated by in silico analysis. Since supporting evidence is limited at this time, the clinical significance of this alteration remains unclear.

NM_198578.4(LRRK2):c.7249C>T (p.Leu2417Phe)

Gene: LRRK2 (leucine rich repeat kinase 2; plus strand). Cytogenetic location: 12q12.
Variant type: single nucleotide variant.
Coding change: c.7249C>T on transcript NM_198578.4 (MANE Select); coding-DNA position 7249, C replaced by T.
Protein change: p.Leu2417Phe; replaces leucine 2417 with phenylalanine.
Molecular consequence: missense variant.
Genome position (GRCh38, 1-based): chr12:40,364,909, C>T. VCF-style: chr12-40364909-C-T. GRCh37 (hg19) VCF-style: chr12-40758711-C-T.
Other names: short protein forms L2417F.
Identifiers: ClinVar variation 2453049 (VCV002453049.2), dbSNP rs1215673901, ClinGen allele CA384414794.
Genomic context (GRCh38, chr12:40,364,909, plus strand): 5'-ATGGTAAAAGAAAACAAGGAATCAAAACACAAAATGTCTTATTCTGGGAGAGTGAAAACC[C>T]TCTGCCTTCAGAAGAACACTGCTCTTTGGATAGGAACTGGAGGAGGCCATATTTTACTCC-3'
Protein context (NP_940980.4, residues 2407-2427): KMSYSGRVKT[Leu2417Phe]CLQKNTALWI